The following is an entry in ClinVar:

ClinVar aggregate classification (germline): Likely benign. Review status: criteria provided, multiple submitters, no conflicts (2 of 4 stars). 4 submissions from 4 submitters: Likely benign (2). 2 of the submissions do not count toward it. Last evaluated 2025-12-06.

Conditions:
VPS13B-related disorder. Also called: VPS13B-related condition.
Cohen syndrome (COH1). Also called: Cutis verticis gyrata, retinitis pigmentosa, and sensorineural deafness; PEPPER SYNDROME. Identifiers: Orphanet 193, MedGen C0265223, MONDO:0008999, OMIM 216550.

Allele frequency attached by ClinVar (database versions not stated): ExAC 0.00008; gnomAD exomes 0.00010 and 0.00021; TOPMed 0.00012; gnomAD 0.00015; ESP Exome Variant Server 0.00023.
gnomAD v4.1: 324 of 1,613,706 alleles (0.02%); highest among the groups gnomAD compares: Non-Finnish European, 0.026%; no homozygotes.

Submissions (4):

Labcorp Genetics (formerly Invitae), Labcorp
Classification: Likely benign for Cohen syndrome. Last evaluated: 2025-12-06. Review status: criteria provided, single submitter. Criteria: Invitae Variant Classification Sherloc (09022015). Collection method: clinical testing. Allele origin: germline.

Blueprint Genetics
Classification: Likely benign. Last evaluated: 2024-06-15. Review status: criteria provided, single submitter. Criteria: ACMG Guidelines, 2015. Collection method: clinical testing. Allele origin: germline.

PreventionGenetics, part of Exact Sciences
Classification: Likely benign for VPS13B-related condition. Last evaluated: 2021-05-26. Review status: no assertion criteria provided. Collection method: clinical testing. Allele origin: germline. Not counted in ClinVar's aggregate classification.
Comment: This variant is classified as likely benign based on ACMG/AMP sequence variant interpretation guidelines (Richards et al. 2015 PMID: 25741868, with internal and published modifications).

Natera, Inc.
Classification: Likely benign for Cohen syndrome. Last evaluated: 2020-06-14. Review status: no assertion criteria provided. Collection method: clinical testing. Allele origin: germline. Not counted in ClinVar's aggregate classification.

NM_152564.5(VPS13B):c.7434A>G (p.Ala2478=)

Gene: VPS13B (vacuolar protein sorting 13 homolog B; plus strand). Cytogenetic location: 8q22.2.
Variant type: single nucleotide variant.
Coding change: c.7434A>G on transcript NM_152564.5 (MANE Select); coding-DNA position 7434, A replaced by G.
Protein change: p.Ala2478=; no amino-acid change (alanine 2478 retained).
Molecular consequence: synonymous variant.
Genome position (GRCh38, 1-based): chr8:99,778,686, A>G. VCF-style: chr8-99778686-A-G. GRCh37 (hg19) VCF-style: chr8-100790914-A-G.
Other names: c.7509A>G, p.Ala2503= (NM_017890.5); c.7434A>G (NM_152564.4).
Identifiers: ClinVar variation 714214 (VCV000714214.13), dbSNP rs373550277, ClinGen allele CA4824231.